The following is an entry in ClinVar:

NM_003803.4(MYOM1):c.3496A>G (p.Lys1166Glu)

Gene: MYOM1 (myomesin 1; minus strand). Cytogenetic location: 18p11.31.
Variant type: single nucleotide variant.
Coding change: c.3496A>G on transcript NM_003803.4 (MANE Select); coding-DNA position 3496, A replaced by G.
Protein change: p.Lys1166Glu; replaces lysine 1166 with glutamic acid.
Molecular consequence: missense variant.
Genome position (GRCh38, 1-based): chr18:3,102,553, T>C on the plus strand (A>G on the coding strand, the complement: MYOM1 is on the minus strand). VCF-style: chr18-3102553-T-C. GRCh37 (hg19) VCF-style: chr18-3102551-T-C.
Other names: c.3208A>G, p.Lys1070Glu (NM_019856.2); short protein forms K1070E, K1166E.
Identifiers: ClinVar variation 1731982 (VCV001731982.2), dbSNP rs762245646, ClinGen allele CA8874272.

ClinVar aggregate classification (germline): Uncertain significance (1 of 4 stars; one submission).

Allele frequency attached by ClinVar (database versions not stated): ExAC 0.00001; gnomAD 0.00001; gnomAD exomes 0.00001; TOPMed 0.00001.
gnomAD v4.1: 13 of 1,613,830 alleles (0.00081%); highest among the groups gnomAD compares: Non-Finnish European, 0.0011%; no homozygotes.

Submission:

Ambry Genetics
Classification: Uncertain significance. Last evaluated: 2023-12-23. Review status: criteria provided, single submitter. Criteria: Ambry Variant Classification Scheme 2023. Collection method: clinical testing. Allele origin: germline.
Comment: The p.K1166E variant (also known as c.3496A>G), located in coding exon 22 of the MYOM1 gene, results from an A to G substitution at nucleotide position 3496. The lysine at codon 1166 is replaced by glutamic acid, an amino acid with similar properties. This amino acid position is conserved. In addition, this alteration is predicted to be tolerated by in silico analysis. Since supporting evidence is limited at this time, the clinical significance of this alteration remains unclear.